The following is an entry in ClinVar:

ClinVar aggregate classification (germline): Uncertain significance (1 of 4 stars; one submission).

Conditions:
Familial adenomatous polyposis 1 (FAP1). Also called: FAMILIAL ADENOMATOUS POLYPOSIS 1, ATTENUATED; POLYPOSIS, ADENOMATOUS INTESTINAL. Identifiers: MedGen C2713442, MONDO:0021056, OMIM 175100. Disease mechanism: loss of function.

Submission:

Labcorp Genetics (formerly Invitae), Labcorp
Classification: Uncertain significance for Familial adenomatous polyposis 1. Last evaluated: 2022-08-27. Review status: criteria provided, single submitter. Criteria: Invitae Variant Classification Sherloc (09022015). Collection method: clinical testing. Allele origin: germline.
Comment: This variant is not present in population databases (gnomAD no frequency). In summary, the available evidence is currently insufficient to determine the role of this variant in disease. Therefore, it has been classified as a Variant of Uncertain Significance. Algorithms developed to predict the effect of missense changes on protein structure and function output the following: SIFT: "Tolerated"; PolyPhen-2: "Benign"; Align-GVGD: "Class C0". The serine amino acid residue is found in multiple mammalian species, which suggests that this missense change does not adversely affect protein function. This variant has not been reported in the literature in individuals affected with APC-related conditions. This sequence change replaces glycine, which is neutral and non-polar, with serine, which is neutral and polar, at codon 2058 of the APC protein (p.Gly2058Ser).

NM_000038.6(APC):c.6172G>A (p.Gly2058Ser)

Gene: APC (APC regulator of Wnt signaling pathway; plus strand). Cytogenetic location: 5q22.2.
Variant type: single nucleotide variant.
Coding change: c.6172G>A on transcript NM_000038.6 (MANE Select); coding-DNA position 6172, G replaced by A.
Protein change: p.Gly2058Ser; replaces glycine 2058 with serine.
Molecular consequence: missense variant.
Genome position (GRCh38, 1-based): chr5:112,841,766, G>A. VCF-style: chr5-112841766-G-A. GRCh37 (hg19) VCF-style: chr5-112177463-G-A.
Other names: c.6172G>A, p.Gly2058Ser (NM_001127510.3, NM_001354895.2, NM_001407450.1); c.6118G>A, p.Gly2040Ser (NM_001127511.3); c.6226G>A, p.Gly2076Ser (NM_001354896.2, NM_001407447.1, NM_001407448.1 and 1 more transcripts); c.6202G>A, p.Gly2068Ser (NM_001354897.2); c.6097G>A, p.Gly2033Ser (NM_001354898.2); c.6088G>A, p.Gly2030Ser (NM_001354899.2); c.6049G>A, p.Gly2017Ser (NM_001354900.2); c.5995G>A, p.Gly1999Ser (NM_001354901.2, NM_001407453.1); and 11 more; short protein forms G1674S, G1775S, G1898S, G1929S, G1932S, G1957S, G1967S, G1975S.
Identifiers: ClinVar variation 1718041 (VCV001718041.6), dbSNP rs1766152993, ClinGen allele CA16034847.